The following is an entry in ClinVar:

NM_001083926.2(ASRGL1):c.761A>G (p.Tyr254Cys)

Gene: ASRGL1 (asparaginase and isoaspartyl peptidase 1; plus strand). Cytogenetic location: 11q12.3.
Variant type: single nucleotide variant.
Coding change: c.761A>G on transcript NM_001083926.2 (MANE Select); coding-DNA position 761, A replaced by G.
Protein change: p.Tyr254Cys; replaces tyrosine 254 with cysteine.
Molecular consequence: missense variant.
Genome position (GRCh38, 1-based): chr11:62,392,118, A>G. VCF-style: chr11-62392118-A-G. GRCh37 (hg19) VCF-style: chr11-62159590-A-G.
Other names: c.761A>G, p.Tyr254Cys (NM_025080.4); short protein forms Y254C.
Identifiers: ClinVar variation 968902 (VCV000968902.11), dbSNP rs957578290, ClinGen allele CA223040219.

ClinVar aggregate classification (germline): Uncertain significance. Review status: criteria provided, multiple submitters, no conflicts (2 of 4 stars). 2 submissions from 2 submitters: Uncertain significance (2). Last evaluated 2022-11-07.

Allele frequency attached by ClinVar (database versions not stated): TOPMed 0.00001.

Submissions (2):

Ambry Genetics
Classification: Uncertain significance. Last evaluated: 2022-11-07. Review status: criteria provided, single submitter. Criteria: Ambry Variant Classification Scheme 2023. Collection method: clinical testing. Allele origin: germline.

Labcorp Genetics (formerly Invitae), Labcorp
Classification: Uncertain significance. Last evaluated: 2019-10-22. Review status: criteria provided, single submitter. Criteria: Invitae Variant Classification Sherloc (09022015). Collection method: clinical testing. Allele origin: germline.
Comment: In summary, the available evidence is currently insufficient to determine the role of this variant in disease. Therefore, it has been classified as a Variant of Uncertain Significance. Algorithms developed to predict the effect of missense changes on protein structure and function (SIFT, PolyPhen-2, Align-GVGD) all suggest that this variant is likely to be tolerated, but these predictions have not been confirmed by published functional studies and their clinical significance is uncertain. This variant has not been reported in the literature in individuals with ASRGL1-related conditions. This variant is not present in population databases (ExAC no frequency). This sequence change replaces tyrosine with cysteine at codon 254 of the ASRGL1 protein (p.Tyr254Cys). The tyrosine residue is highly conserved and there is a large physicochemical difference between tyrosine and cysteine.